The following is an entry in ClinVar:

ClinVar aggregate classification (germline): Likely benign (1 of 4 stars; one submission).

gnomAD v4.1: 11 of 1,613,188 alleles (0.00068%); highest among the groups gnomAD compares: African/African-American, 0.004%; no homozygotes.

Submission:

CeGaT Center for Human Genetics Tuebingen
Classification: Likely benign. Last evaluated: 2026-07-01. Review status: criteria provided, single submitter. Criteria: CeGaT Center For Human Genetics Tuebingen Variant Classification Criteria Version 2. Collection method: clinical testing. Allele origin: germline. Affected: yes. Observed: 1 variant allele.
Comment: SUPT16H: BP4, BP7

NM_007192.4(SUPT16H):c.2484G>A (p.Thr828=)

Gene: SUPT16H (SPT16 homolog, facilitates chromatin remodeling subunit; minus strand). Cytogenetic location: 14q11.2.
Variant type: single nucleotide variant.
Coding change: c.2484G>A on transcript NM_007192.4 (MANE Select); coding-DNA position 2484, G replaced by A.
Protein change: p.Thr828=; no amino-acid change (threonine 828 retained).
Molecular consequence: synonymous variant.
Genome position (GRCh38, 1-based): chr14:21,357,933, C>T on the plus strand (G>A on the coding strand, the complement: SUPT16H is on the minus strand). VCF-style: chr14-21357933-C-T. GRCh37 (hg19) VCF-style: chr14-21826092-C-T.
Identifiers: ClinVar variation 5039555 (VCV005039555.1).